The following is an entry in ClinVar:

ClinVar aggregate classification (germline): Uncertain significance (1 of 4 stars; one submission).

Conditions:
Hereditary cancer-predisposing syndrome. Also called: Tumor predisposition; Neoplastic Syndromes, Hereditary; Hereditary neoplastic syndrome; Hereditary Cancer Syndrome. Identifiers: Orphanet 140162, MedGen C0027672, MeSH D009386, MONDO:0015356.

Submission:

Ambry Genetics
Classification: Uncertain significance for Hereditary cancer-predisposing syndrome. Last evaluated: 2025-08-27. Review status: criteria provided, single submitter. Criteria: Ambry Variant Classification Scheme 2023. Collection method: clinical testing. Allele origin: germline.
Comment: The p.T408S variant (also known as c.1223C>G), located in coding exon 13 of the MUTYH gene, results from a C to G substitution at nucleotide position 1223. The threonine at codon 408 is replaced by serine, an amino acid with similar properties. This amino acid position is conserved. In addition, this alteration is predicted to be tolerated by in silico analysis. Based on the available evidence, the clinical significance of this variant remains unclear.

NM_001048174.2(MUTYH):c.1139C>G (p.Thr380Ser)

Gene: MUTYH (mutY DNA glycosylase; minus strand). Cytogenetic location: 1p34.1.
Variant type: single nucleotide variant.
Coding change: c.1139C>G on transcript NM_001048174.2 (MANE Select); coding-DNA position 1139, C replaced by G.
Protein change: p.Thr380Ser; replaces threonine 380 with serine.
Molecular consequence: missense variant. On other transcripts: non-coding transcript variant (7).
Genome position (GRCh38, 1-based): chr1:45,331,520, G>C on the plus strand (C>G on the coding strand, the complement: MUTYH is on the minus strand). VCF-style: chr1-45331520-G-C. GRCh37 (hg19) VCF-style: chr1-45797192-G-C.
Other names: c.1181C>G, p.Thr394Ser (NM_001407085.1, NM_001407083.1); c.1142C>G, p.Thr381Ser (NM_001407086.1, NM_001407078.1, NM_001048172.2 and 1 more transcripts); c.1160C>G, p.Thr387Ser (NM_001407087.1); c.1139C>G, p.Thr380Ser (NM_001407088.1, NM_001407089.1, NM_001407081.1 and 6 more transcripts); c.863C>G, p.Thr288Ser (NM_001407091.1, NM_001293192.2, NM_001293196.2); c.1214C>G, p.Thr405Ser (NM_012222.3); c.1100C>G, p.Thr367Ser (NM_001407079.1); c.1097C>G, p.Thr366Ser (NM_001407080.1); and 5 more; short protein forms T366S, T367S, T381S, T394S, T395S, T265S, T387S, T391S.
Identifiers: ClinVar variation 4113093 (VCV004113093.1).